The following is an entry in ClinVar:

ClinVar aggregate classification (germline): Uncertain significance (1 of 4 stars; one submission).

Conditions:
CEP164-related disorder. Also called: CEP164-related condition.

gnomAD v4.1: 3 of 1,611,904 alleles (0.00019%); highest among the groups gnomAD compares: African/African-American, 0.004%; no homozygotes.

Submission:

PreventionGenetics, part of Exact Sciences
Classification: Uncertain significance for CEP164-related condition. Last evaluated: 2025-05-14. Review status: criteria provided, single submitter. Criteria: ACMG Guidelines, 2015. Collection method: clinical testing. Allele origin: germline.
Comment: The CEP164 c.3069G>C variant is predicted to result in the amino acid substitution p.Gln1023His. To our knowledge, this variant has not been reported in the literature or in a large population database (gnomAD), indicating this variant is rare. At this time, the clinical significance of this variant is uncertain due to the absence of conclusive functional and genetic evidence.

NM_014956.5(CEP164):c.3069G>C (p.Gln1023His)

Gene: CEP164 (centrosomal protein 164; plus strand). Cytogenetic location: 11q23.3.
Variant type: single nucleotide variant.
Coding change: c.3069G>C on transcript NM_014956.5 (MANE Select); coding-DNA position 3069, G replaced by C.
Protein change: p.Gln1023His; replaces glutamine 1023 with histidine.
Molecular consequence: missense variant.
Genome position (GRCh38, 1-based): chr11:117,395,702, G>C. VCF-style: chr11-117395702-G-C. GRCh37 (hg19) VCF-style: chr11-117266418-G-C.
Other names: c.3078G>C, p.Gln1026His (NM_001271933.2, NM_001440949.1); c.3069G>C, p.Gln1023His (NM_001440950.1, NM_001440951.1, NM_001440953.1); c.2904G>C, p.Gln968His (NM_001440952.1, NM_001440968.1, NM_001440969.1); c.2991G>C, p.Gln997His (NM_001440954.1, NM_001440955.1, NM_001440958.1 and 1 more transcripts); c.2982G>C, p.Gln994His (NM_001440956.1, NM_001440957.1); c.2940G>C, p.Gln980His (NM_001440960.1); c.2931G>C, p.Gln977His (NM_001440961.1, NM_001440967.1); c.2922G>C, p.Gln974His (NM_001440962.1, NM_001440963.1, NM_001440964.1 and 4 more transcripts); and 7 more; short protein forms Q1023H, Q878H, Q898H, Q970H, Q997H, Q968H, Q1026H, Q948H.
Identifiers: ClinVar variation 4999453 (VCV004999453.1).
Genomic context (GRCh38, chr11:117,395,702, plus strand): 5'-GCTGCAGGCCCGCAAGCTGAAGCTGGAGTCCCAAGTGGATCTGCTGCAGGCTCAGAGCCA[G>C]CAACTGCAGAAACACTTCAGGTGGCGTGGGCACCCTGCACTTAGCCCTGCTGGCTGCCTC-3'
Protein context (NP_055771.4, residues 1013-1033): SQVDLLQAQS[Gln1023His]QLQKHFSSLE